The following is an entry in ClinVar:

ClinVar aggregate classification (germline): Pathogenic (1 of 4 stars; one submission).

Conditions:
Intellectual developmental disorder, autosomal recessive 65. Also called: MENTAL RETARDATION, AUTOSOMAL RECESSIVE 65; Intellectual disability, autosomal recessive 65. Identifiers: MedGen C4748219, MONDO:0020850, OMIM 618109.

gnomAD v4.1: 1 of 1,610,810 alleles (0.000062%); highest among the groups gnomAD compares: Non-Finnish European, 0.000085%; no homozygotes.

Submission:

Greenwood Genetic Center Diagnostic Laboratories, Greenwood Genetic Center
Classification: Pathogenic for Intellectual developmental disorder, autosomal recessive 65. Last evaluated: 2025-11-13. Review status: criteria provided, single submitter. Criteria: ACMG Guidelines, 2015. Collection method: clinical testing. Allele origin: germline. Affected: yes.
Comment: PVS1, PS2, PM2

NM_006618.5(KDM5B):c.394C>T (p.Gln132Ter)

Gene: KDM5B (lysine demethylase 5B; minus strand). Cytogenetic location: 1q32.1.
Variant type: single nucleotide variant.
Coding change: c.394C>T on transcript NM_006618.5 (MANE Select); coding-DNA position 394, C replaced by T.
Protein change: p.Gln132Ter; replaces glutamine 132 with a stop codon.
Molecular consequence: nonsense.
Genome position (GRCh38, 1-based): chr1:202,774,624, G>A on the plus strand (C>T on the coding strand, the complement: KDM5B is on the minus strand). VCF-style: chr1-202774624-G-A. GRCh37 (hg19) VCF-style: chr1-202743752-G-A.
Other names: c.394C>T, p.Gln132Ter (NM_001314042.2, NM_001347591.2); c.379C>T, p.Gln127Ter (NM_001399817.1); short protein forms Q127*, Q132*.
Identifiers: ClinVar variation 4845460 (VCV004845460.1).